The following is an entry in ClinVar:

ClinVar aggregate classification (germline): Uncertain significance (1 of 4 stars; one submission).

Conditions:
Progressive sclerosing poliodystrophy (MTDPS4A). Also called: ALPERS PROGRESSIVE INFANTILE POLIODYSTROPHY; NEURONAL DEGENERATION OF CHILDHOOD WITH LIVER DISEASE, PROGRESSIVE; Alpers Syndrome; ALPERS DIFFUSE DEGENERATION OF CEREBRAL GRAY MATTER WITH HEPATIC CIRRHOSIS; Alpers-Huttenlocher Syndrome; Mitochondrial DNA depletion syndrome 4A (Alpers type). Identifiers: Orphanet 726, MedGen C0205710, MONDO:0008758, OMIM 203700.

Submission:

Labcorp Genetics (formerly Invitae), Labcorp
Classification: Uncertain significance for Progressive sclerosing poliodystrophy. Last evaluated: 2023-08-17. Review status: criteria provided, single submitter. Criteria: Invitae Variant Classification Sherloc (09022015). Collection method: clinical testing. Allele origin: germline.
Comment: In summary, the available evidence is currently insufficient to determine the role of this variant in disease. Therefore, it has been classified as a Variant of Uncertain Significance. Advanced modeling of protein sequence and biophysical properties (such as structural, functional, and spatial information, amino acid conservation, physicochemical variation, residue mobility, and thermodynamic stability) has been performed at Invitae for this missense variant, however the output from this modeling did not meet the statistical confidence thresholds required to predict the impact of this variant on POLG protein function. This variant has not been reported in the literature in individuals affected with POLG-related conditions. This variant is not present in population databases (gnomAD no frequency). This sequence change replaces phenylalanine, which is neutral and non-polar, with leucine, which is neutral and non-polar, at codon 389 of the POLG protein (p.Phe389Leu).

NM_002693.3(POLG):c.1167C>A (p.Phe389Leu)

Gene: POLG (DNA polymerase gamma, catalytic subunit; minus strand). Cytogenetic location: 15q26.1.
Variant type: single nucleotide variant.
Coding change: c.1167C>A on transcript NM_002693.3 (MANE Select); coding-DNA position 1167, C replaced by A.
Protein change: p.Phe389Leu; replaces phenylalanine 389 with leucine.
Molecular consequence: missense variant.
Genome position (GRCh38, 1-based): chr15:89,328,688, G>T on the plus strand (C>A on the coding strand, the complement: POLG is on the minus strand). VCF-style: chr15-89328688-G-T. GRCh37 (hg19) VCF-style: chr15-89871919-G-T.
Other names: c.1167C>A, p.Phe389Leu (NM_001126131.2); short protein forms F389L.
Identifiers: ClinVar variation 2744089 (VCV002744089.3), dbSNP rs2509261056, ClinGen allele CA393764569.